The following is an entry in ClinVar:

NM_000069.3(CACNA1S):c.3601G>A (p.Glu1201Lys)

Gene: CACNA1S (calcium voltage-gated channel subunit alpha1 S; minus strand). Cytogenetic location: 1q32.1.
Variant type: single nucleotide variant.
Coding change: c.3601G>A on transcript NM_000069.3 (MANE Select); coding-DNA position 3601, G replaced by A.
Protein change: p.Glu1201Lys; replaces glutamic acid 1201 with lysine.
Molecular consequence: missense variant.
Genome position (GRCh38, 1-based): chr1:201,058,416, C>T on the plus strand (G>A on the coding strand, the complement: CACNA1S is on the minus strand). VCF-style: chr1-201058416-C-T. GRCh37 (hg19) VCF-style: chr1-201027544-C-T.
Other names: short protein forms E1201K.
Identifiers: ClinVar variation 3074107 (VCV003074107.1), dbSNP rs2464486163, ClinGen allele CA344157348.

ClinVar aggregate classification (germline): Uncertain significance (1 of 4 stars; one submission).

Conditions:
Malignant hyperthermia, susceptibility to, 5 (MHS5). Also called: CACNA1S-Related Malignant Hyperthermia Susceptibility. Identifiers: Orphanet 423, MedGen C1866077, MONDO:0011163, OMIM 601887.

Allele frequency attached by ClinVar (database versions not stated): gnomAD exomes below 0.00001.
gnomAD v4.1: 1 of 1,613,990 alleles (0.000062%); highest among the groups gnomAD compares: Non-Finnish European, 0.000085%; no homozygotes.

Submission:

All of Us Research Program, National Institutes of Health
Classification: Uncertain significance for Malignant hyperthermia, susceptibility to, 5. Last evaluated: 2023-10-23. Review status: criteria provided, single submitter. Criteria: ACMG Guidelines, 2015. Collection method: clinical testing. Allele origin: germline. Inheritance: Autosomal dominant inheritance. Observed: 1 variant allele, 1 heterozygote.
Comment: This missense variant replaces glutamic acid with lysine at codon 1201 of the CACNA1S protein. Computational prediction suggests that this variant may have deleterious impact on protein structure and function (internally defined REVEL score threshold >= 0.7, PMID: 27666373). To our knowledge, functional studies have not been reported for this variant. This variant has not been reported in individuals affected with CACNA1S-related disorders in the literature. This variant has not been identified in the general population by the Genome Aggregation Database (gnomAD). The available evidence is insufficient to determine the role of this variant in disease conclusively. Therefore, this variant is classified as a Variant of Uncertain Significance.

This study involves interpretation of variants in research participants for the purpose of population health screening. Participant phenotype was not available at the time of variant classification. Additional details can be found in publication PMID: 35346344, PMCID: PMC8962531